The following is an entry in ClinVar:

ClinVar aggregate classification (germline): Likely benign (1 of 4 stars; one submission).

Allele frequency attached by ClinVar (database versions not stated): TOPMed 0.00055 and 0.00054; ExAC 0.00061; gnomAD 0.00077 and 0.00062; gnomAD exomes 0.00061.
gnomAD v4.1: 1,580 of 1,603,136 alleles (0.099%); highest among the groups gnomAD compares: Non-Finnish European, 0.12%; 1 homozygote.

Submission:

GeneDx
Classification: Likely benign. Last evaluated: 2018-04-18. Review status: criteria provided, single submitter. Criteria: GeneDx Variant Classification (06012015). Collection method: clinical testing. Allele origin: germline. Affected: yes.
Comment: This variant is considered likely benign or benign based on one or more of the following criteria: it is a conservative change, it occurs at a poorly conserved position in the protein, it is predicted to be benign by multiple in silico algorithms, and/or has population frequency not consistent with disease.

NM_025248.3(SRCIN1):c.1968C>A (p.Gly656=)

Gene: SRCIN1 (SRC kinase signaling inhibitor 1; minus strand). Cytogenetic location: 17q12.
Variant type: single nucleotide variant.
Coding change: c.1968C>A on transcript NM_025248.3 (MANE Select); coding-DNA position 1968, C replaced by A.
Protein change: p.Gly656=; no amino-acid change (glycine 656 retained).
Molecular consequence: synonymous variant.
Genome position (GRCh38, 1-based): chr17:38,559,642, G>T on the plus strand (C>A on the coding strand, the complement: SRCIN1 is on the minus strand). VCF-style: chr17-38559642-G-T. GRCh37 (hg19) VCF-style: chr17-36715878-G-T.
Identifiers: ClinVar variation 682222 (VCV000682222.1), dbSNP rs763475410, ClinGen allele CA8523264.
Genomic context (GRCh38, chr17:38,559,642, plus strand): 5'-TACCTGGAGCTTGCGCAACTGCTGGAGCTGGCCGCGCAAGTCACTGGCGCTGTTCTGCAG[G>T]CCTCGCAGGTGAAGCTGCATCTGCAGCCGGCTAACGGCGGTAGGCTGACCTGCGGGGGTG-3'
Protein context (NP_079524.2, residues 646-666): SRLQMQLHLR[Gly656=]LQNSASDLRG